The following is an entry in ClinVar:

ClinVar aggregate classification (germline): Pathogenic. Review status: reviewed by expert panel (3 of 4 stars). 10 submissions from 10 submitters: Pathogenic (1). 9 of the submissions do not count toward it. Last evaluated 2016-09-08.

Conditions:
Hereditary cancer-predisposing syndrome. Also called: Neoplastic Syndromes, Hereditary; Hereditary neoplastic syndrome; Hereditary Cancer Syndrome; Tumor predisposition. Identifiers: Orphanet 140162, MedGen C0027672, MeSH D009386, MONDO:0015356.
Hereditary breast ovarian cancer syndrome. Also called: Breast and ovarian cancer; BRCA1- and BRCA2-Associated Hereditary Breast and Ovarian Cancer; Hereditary breast and ovarian cancer syndrome (HBOC); Hereditary breast and/or ovarian cancer syndrome; Hereditary breast and ovarian cancer; Hereditary breast and ovarian cancer syndrome. Identifiers: Orphanet 145, MedGen C0677776, MeSH D061325, MONDO:0003582. Disease mechanism: loss of function.
Breast-ovarian cancer, familial, susceptibility to, 2 (BROVCA2). Also called: BRCA2 Hereditary Breast and Ovarian Cancer. Identifiers: Orphanet 145, MedGen C2675520, MONDO:0012933, OMIM 612555. Disease mechanism: loss of function.

gnomAD v4.1: 2 of 1,613,998 alleles (0.00012%); highest among the groups gnomAD compares: Non-Finnish European, 0.00017%; no homozygotes.

Submissions (10):

Evidence-based Network for the Interpretation of Germline Mutant Alleles (ENIGMA)
Classification: Pathogenic for Breast-ovarian cancer, familial, susceptibility to, 2. Last evaluated: 2016-09-08. Review status: reviewed by expert panel. Criteria: ENIGMA BRCA1/2 Classification Criteria (2015). Collection method: curation. Allele origin: germline.
Comment: Variant allele predicted to encode a truncated non-functional protein.

GeneDx
Classification: Pathogenic. Last evaluated: 2026-01-28. Review status: criteria provided, single submitter. Criteria: GeneDx Variant Classification Process June 2021. Collection method: clinical testing. Allele origin: germline. Not counted in ClinVar's aggregate classification.
Comment: Nonsense variant predicted to result in protein truncation or nonsense mediated decay in a gene for which loss of function is a known mechanism of disease; Truncating variants in this gene are considered pathogenic by a well-established clinical consortium and/or database; Observed in an individual with a personal and/or family history of breast and/or ovarian cancer (PMID: 16683254); Not observed at significant frequency in large population cohorts (gnomAD); Also known as 399C>G; This variant is associated with the following publications: (PMID: 37713444, 20104584, 29446198, 29339979, 31360904, 33087929, 16683254)

Ambry Genetics
Classification: Pathogenic for Hereditary cancer-predisposing syndrome. Last evaluated: 2025-01-30. Review status: criteria provided, single submitter. Criteria: Ambry Variant Classification Scheme 2023. Collection method: clinical testing. Allele origin: germline. Not counted in ClinVar's aggregate classification.
Comment: The p.Y57* pathogenic mutation (also known as c.171C>G), located in coding exon 2 of the BRCA2 gene, results from a C to G substitution at nucleotide position 171. This changes the amino acid from a tyrosine to a stop codon within coding exon 2. This alteration has been reported in one family in the Netherlands described to have hereditary breast and ovarian cancer syndrome (van der Hout AH et al. Hum. Mutat. 2006 Jul; 27(7):654-66). In a large, clinic-based BRCA1/2 testing cohort in Norway, this alteration was detected in three families (Heramb C et al. Hered Cancer Clin Pract. 2018 Jan;16:3). This variant is considered to be rare based on population cohorts in the Genome Aggregation Database (gnomAD). In addition to the clinical data presented in the literature, this alteration is expected to result in loss of function by premature protein truncation or nonsense-mediated mRNA decay. As such, this alteration is interpreted as a disease-causing mutation.

Labcorp Genetics (formerly Invitae), Labcorp
Classification: Pathogenic for Hereditary breast ovarian cancer syndrome. Last evaluated: 2024-08-04. Review status: criteria provided, single submitter. Criteria: Invitae Variant Classification Sherloc (09022015). Collection method: clinical testing. Allele origin: germline. Not counted in ClinVar's aggregate classification.
Comment: This sequence change creates a premature translational stop signal (p.Tyr57*) in the BRCA2 gene. It is expected to result in an absent or disrupted protein product. Loss-of-function variants in BRCA2 are known to be pathogenic (PMID: 20104584). This variant is not present in population databases (gnomAD no frequency). This premature translational stop signal has been observed in individual(s) with a personal and/or family history of breast and/or ovarian cancer (PMID: 16683254, 29446198). ClinVar contains an entry for this variant (Variation ID: 51179). Algorithms developed to predict the effect of sequence changes on RNA splicing suggest that this variant may disrupt the consensus splice site. For these reasons, this variant has been classified as Pathogenic.

Quest Diagnostics Nichols Institute San Juan Capistrano
Classification: Pathogenic. Last evaluated: 2023-11-29. Review status: criteria provided, single submitter. Criteria: Quest Diagnostics criteria. Collection method: clinical testing. Allele origin: unknown. Not counted in ClinVar's aggregate classification.
Comment: The BRCA2 c.171C>G (p.Tyr57*) variant causes the premature termination of BRCA2 protein synthesis. This variant has been reported in the published literature in an individual with breast and/or ovarian cancer (PMID: 16683254 (2016)). An experimental study has reported that this variant may have a deleterious effect on BRCA2 protein function (PMID: 37713444 (2023)). This variant has not been reported in large, multi-ethnic general populations (Genome Aggregation Database). Based on the available information, this variant is classified as pathogenic.

Laboratory for Molecular Medicine, Mass General Brigham Personalized Medicine
Classification: Pathogenic for Hereditary breast ovarian cancer syndrome. Last evaluated: 2019-10-14. Review status: criteria provided, single submitter. Criteria: ACMG Guidelines, 2015. Collection method: clinical testing. Allele origin: germline. Inheritance: Autosomal dominant inheritance. Not counted in ClinVar's aggregate classification.
Comment: The p.Tyr57X variant in BRCA2 has been reported in the literature in several individuals with unspecified phenotype (van der Hout 2006, Heramb 2018, Rebbeck 2018). It has also been reported in individuals with hereditary breast and/or ovarian cancer (HBOC) in ClinVar (Variation ID: 51179). Furthermore, this variant was classified as Pathogenic on Sep. 8, 2016 by the ClinGen-approved ENIGMA expert panel (SCV000607880.2). It was absent from large population studies. This nonsense variant leads to a premature termination codon at position 57, which is predicted to lead to a truncated or absent protein. Loss of function of the BRCA2 gene is an established disease mechanism in autosomal dominant HBOC. In summary, this variant meets criteria to be classified as pathogenic for autosomal dominant HBOC. ACMG/AMP Criteria applied: PVS1, PM2, PS4_Supporting.

Consortium of Investigators of Modifiers of BRCA1/2 (CIMBA), c/o University of Cambridge
Classification: Pathogenic for Breast-ovarian cancer, familial, susceptibility to, 2. Last evaluated: 2015-10-02. Review status: criteria provided, single submitter. Criteria: CIMBA Mutation Classification guidelines May 2016. Collection method: clinical testing. Allele origin: germline. Not counted in ClinVar's aggregate classification.

Department of Medical Genetics, Oslo University Hospital
Classification: Pathogenic for Breast-ovarian cancer, familial, susceptibility to, 2. Last evaluated: 2015-07-01. Review status: criteria provided, single submitter. Criteria: ACMG Guidelines, 2015. Collection method: clinical testing. Allele origin: germline. Affected: yes. Observed: 15 variant alleles. Not counted in ClinVar's aggregate classification.

Diagnostic Laboratory, Department of Genetics, University Medical Center Groningen
Classification: Pathogenic. Review status: no assertion criteria provided. Collection method: clinical testing. Allele origin: germline. Affected: yes. Study: VKGL Data-share Consensus. Not counted in ClinVar's aggregate classification.

Joint Genome Diagnostic Labs from Nijmegen and Maastricht, Radboudumc and MUMC+
Classification: Pathogenic. Review status: no assertion criteria provided. Collection method: clinical testing. Allele origin: germline. Affected: yes. Study: VKGL Data-share Consensus. Not counted in ClinVar's aggregate classification.

Literature cited by the submitters: PubMed 16683254 (cited by 4 submitters); PubMed 29339979 (cited by Ambry Genetics and Quest Diagnostics Nichols Institute San Juan Capistrano); PubMed 20104584 (cited by Labcorp Genetics (formerly Invitae), Labcorp); PubMed 29446198 (cited by Labcorp Genetics (formerly Invitae), Labcorp and Laboratory for Molecular Medicine, Mass General Brigham Personalized Medicine); PubMed 37713444 (cited by Quest Diagnostics Nichols Institute San Juan Capistrano).

NM_000059.4(BRCA2):c.171C>G (p.Tyr57Ter)

Gene: BRCA2 (BRCA2 DNA repair associated; plus strand). Cytogenetic location: 13q13.1.
Variant type: single nucleotide variant.
Coding change: c.171C>G on transcript NM_000059.4 (MANE Select); coding-DNA position 171, C replaced by G.
Protein change: p.Tyr57Ter; replaces tyrosine 57 with a stop codon.
Molecular consequence: nonsense.
Genome position (GRCh38, 1-based): chr13:32,319,180, C>G. VCF-style: chr13-32319180-C-G. GRCh37 (hg19) VCF-style: chr13-32893317-C-G.
Other names: short protein forms Y57*.
Identifiers: ClinVar variation 51179 (VCV000051179.26), dbSNP rs201523522, ClinGen allele CA012997.